The following is an entry in ClinVar:

ClinVar aggregate classification (germline): Conflicting classifications of pathogenicity. Review status: criteria provided, conflicting classifications (1 of 4 stars). 6 submissions from 6 submitters: Likely pathogenic (4); Uncertain significance (1). 1 of the submissions does not count toward it. Last evaluated 2026-07-07.

Conditions:
MPI-related disorder. Also called: MPI-related condition.
MPI-congenital disorder of glycosylation. Also called: CDG Ib; CONGENITAL DISORDER OF GLYCOSYLATION, TYPE Ib; MANNOSEPHOSPHATE ISOMERASE DEFICIENCY; MPI-CDG; MPI DEFICIENCY; PROTEIN-LOSING ENTEROPATHY-HEPATIC FIBROSIS SYNDROME. Identifiers: Orphanet 79319, MedGen C1865145, MONDO:0011257, OMIM 602579.

Allele frequency attached by ClinVar (database versions not stated): gnomAD exomes 0.00003; ExAC 0.00004; TOPMed 0.00002; gnomAD 0.00003.

Submissions (6):

PreventionGenetics, part of Exact Sciences
Classification: Likely pathogenic for MPI-related condition. Last evaluated: 2026-07-07. Review status: criteria provided, single submitter. Criteria: ACMG Guidelines, 2015. Collection method: clinical testing. Allele origin: germline.
Comment: The MPI c.884G>A variant is predicted to result in the amino acid substitution p.Arg295His. This variant was reported, in the homozygous state or in the heterozygous state along with a second potentially causative variant, in individuals with congenital disorder of glycosylation 1b (Vuillaumier-Barrot et al. 2002. PubMed ID: 12414827; Abdel Ghaffar et al. 2020. PubMed ID: 33204592; Lu et al. 2023. PubMed ID: 37124179; Girard et al. 2020. PubMed ID: 33098580). This variant is reported in 0.0054% of alleles in individuals of European (Non-Finnish) descent in gnomAD. We classify this variant as likely pathogenic.

Natera, Inc.
Classification: Likely pathogenic for Congenital disorder of glycosylation type 1b. Last evaluated: 2025-05-02. Review status: criteria provided, single submitter. Criteria: Natera Variant Classification Schema (03/2026). Collection method: clinical testing. Allele origin: germline.
Comment: The c.884G>A variant in MPI is a missense variant predicted to cause substitution of arginine to histidine at amino acid 295. This variant is rare in the general population with a frequency below the threshold expected for the associated phenotype(s). This variant has been observed in one or more individuals affected with the associated recessive disease, as either homozygous or compound heterozygous with a second variant (PMID: 12414827, 33098580, 36786328, 33204592, 37124179). This variant has been identified in one or more affected individuals with a phenotype highly consistent with the associated gene (PMID: 37124179). Computational prediction algorithms indicate this variant is likely to affect gene or protein function. Given the available evidence, this variant is classified as Likely Pathogenic.

Baylor Genetics
Classification: Likely pathogenic for MPI-congenital disorder of glycosylation. Last evaluated: 2024-03-05. Review status: criteria provided, single submitter. Criteria: ACMG Guidelines, 2015. Collection method: clinical testing. Allele origin: unknown.

Blueprint Genetics
Classification: Uncertain significance. Last evaluated: 2023-05-11. Review status: criteria provided, single submitter. Criteria: ACMG Guidelines, 2015. Collection method: clinical testing. Allele origin: germline.

Fulgent Genetics
Classification: Likely pathogenic for MPI-congenital disorder of glycosylation. Last evaluated: 2021-10-08. Review status: criteria provided, single submitter. Criteria: ACMG Guidelines, 2015. Collection method: clinical testing. Allele origin: unknown.

OMIM
Classification: Pathogenic for CONGENITAL DISORDER OF GLYCOSYLATION, TYPE Ib. Last evaluated: 2002-11-01. Review status: no assertion criteria provided. Collection method: literature only. Allele origin: germline. Not counted in ClinVar's aggregate classification.

Literature cited by the submitters: PubMed 12414827 (cited by Natera, Inc. and OMIM); PubMed 33098580 (cited by Natera, Inc.); PubMed 36786328 (cited by Natera, Inc.); PubMed 33204592 (cited by Natera, Inc.); PubMed 37124179 (cited by Natera, Inc.); PubMed 3080572 (cited by OMIM).

NM_002435.3(MPI):c.884G>A (p.Arg295His)

Gene: MPI (mannose phosphate isomerase; plus strand). Cytogenetic location: 15q24.1.
Variant type: single nucleotide variant.
Coding change: c.884G>A on transcript NM_002435.3 (MANE Select); coding-DNA position 884, G replaced by A.
Protein change: p.Arg295His; replaces arginine 295 with histidine.
Molecular consequence: missense variant. On other transcripts: intron variant (1).
Genome position (GRCh38, 1-based): chr15:74,897,050, G>A. VCF-style: chr15-74897050-G-A. GRCh37 (hg19) VCF-style: chr15-75189391-G-A.
Other names: c.734G>A, p.Arg245His (NM_001289156.2); c.701G>A, p.Arg234His (NM_001289157.2); c.824G>A, p.Arg275His (NM_001330372.2); c.845-462G>A (NM_001289155.2); c.884G>A (NM_002435.2); short protein forms R295H, R245H, R234H, R275H.
Identifiers: ClinVar variation 14349 (VCV000014349.7), dbSNP rs28928906, ClinGen allele CA257213.